The following is an entry in ClinVar:

ClinVar aggregate classification (germline): Benign/Likely benign. Review status: criteria provided, multiple submitters, no conflicts (2 of 4 stars). 5 submissions from 5 submitters: Benign (1); Likely benign (4). Last evaluated 2025-09-04.

Conditions:
Hereditary nonpolyposis colorectal neoplasms. Identifiers: MedGen C0009405, MeSH D003123.
Hereditary cancer-predisposing syndrome. Also called: Hereditary Cancer Syndrome; Neoplastic Syndromes, Hereditary; Tumor predisposition; Hereditary neoplastic syndrome. Identifiers: Orphanet 140162, MedGen C0027672, MeSH D009386, MONDO:0015356.
Lynch syndrome 4 (LYNCH4). Also called: Colorectal cancer, hereditary nonpolyposis, type 4; Hereditary non-polyposis colorectal cancer, type 4. Identifiers: Orphanet 144, MedGen C1838333, MONDO:0013699, OMIM 614337. Disease mechanism: loss of function.

Allele frequency attached by ClinVar (database versions not stated): gnomAD exomes 0.00001.
gnomAD v4.1: 4 of 1,613,182 alleles (0.00025%); highest among the groups gnomAD compares: Middle Eastern, 0.017%; no homozygotes.

Submissions (5):

Labcorp Genetics (formerly Invitae), Labcorp
Classification: Likely benign for Hereditary nonpolyposis colorectal neoplasms. Last evaluated: 2025-09-04. Review status: criteria provided, single submitter. Criteria: Invitae Variant Classification Sherloc (09022015). Collection method: clinical testing. Allele origin: germline.

Women's Health and Genetics/Laboratory Corporation of America, LabCorp
Classification: Likely benign. Last evaluated: 2025-04-24. Review status: criteria provided, single submitter. Criteria: LabCorp Variant Classification Summary - May 2015. Collection method: clinical testing. Allele origin: germline.

Myriad Genetics, Inc.
Classification: Benign for Lynch syndrome 4. Last evaluated: 2025-01-29. Review status: criteria provided, single submitter. Criteria: Myriad Autosomal Dominant, Autosomal Recessive and X-Linked Classification Criteria (2023). Collection method: clinical testing. Allele origin: unknown.
Comment: This variant is considered benign. This variant is a silent/synonymous amino acid change and it is not expected to impact splicing.

Color Diagnostics, LLC DBA Color Health
Classification: Likely benign for Hereditary cancer-predisposing syndrome. Last evaluated: 2022-01-25. Review status: criteria provided, single submitter. Criteria: ACMG Guidelines, 2015. Collection method: clinical testing. Allele origin: germline.

Ambry Genetics
Classification: Likely benign for Hereditary cancer-predisposing syndrome. Last evaluated: 2016-02-19. Review status: criteria provided, single submitter. Criteria: Ambry Variant Classification Scheme 2023. Collection method: clinical testing. Allele origin: germline.

NM_000535.7(PMS2):c.1107G>A (p.Lys369=)

Gene: PMS2 (PMS1 homolog 2, mismatch repair system component; minus strand). Cytogenetic location: 7p22.1.
Variant type: single nucleotide variant.
Coding change: c.1107G>A on transcript NM_000535.7 (MANE Select); coding-DNA position 1107, G replaced by A.
Protein change: p.Lys369=; no amino-acid change (lysine 369 retained).
Molecular consequence: synonymous variant. On other transcripts: non-coding transcript variant (1), intron variant (2).
Genome position (GRCh38, 1-based): chr7:5,989,837, C>T on the plus strand (G>A on the coding strand, the complement: PMS2 is on the minus strand). VCF-style: chr7-5989837-C-T. GRCh37 (hg19) VCF-style: chr7-6029468-C-T.
Other names: c.702G>A, p.Lys234= (NM_001322003.2, NM_001322004.2, NM_001322005.2 and 1 more transcripts); c.789G>A, p.Lys263= (NM_001322007.2, NM_001322008.2); c.174G>A, p.Lys58= (NM_001322011.2, NM_001322012.2); c.534G>A, p.Lys178= (NM_001322013.2); c.1107G>A, p.Lys369= (NM_001322014.2); c.798G>A, p.Lys266= (NM_001322015.2); c.583+2136G>A (NM_001322010.2); c.988+2136G>A (NM_001322006.2).
Identifiers: ClinVar variation 480936 (VCV000480936.17), dbSNP rs1554298683, ClinGen allele CA453644097.
Genomic context (GRCh38, chr7:5,989,837, plus strand): 5'-TTTGTACACTGTATTTTTCTTACCTTCAACATCCAGCAGTGGCTGCTGACTGACATTTAG[C>T]TTGTTGACATCACTATCAAACATTCCTATCAAAGAGGTCTTTAAAACTGCCAACAAAAGC-3'
Protein context (NP_000526.2, residues 359-379): LIGMFDSDVN[Lys369=]LNVSQQPLLD